The following is an entry in ClinVar:

NM_006231.4(POLE):c.19G>C (p.Gly7Arg)

Genes: POLE (DNA polymerase epsilon, catalytic subunit; minus strand), LOC130009266 (ATAC-STARR-seq lymphoblastoid silent region 5123; plus strand). Cytogenetic location: 12q24.33.
Variant type: single nucleotide variant.
Coding change: c.19G>C on transcript NM_006231.4 (MANE Select); coding-DNA position 19, G replaced by C.
Protein change: p.Gly7Arg; replaces glycine 7 with arginine.
Molecular consequence: missense variant.
Genome position (GRCh38, 1-based): chr12:132,687,297, C>G on the plus strand (G>C on the coding strand, the complement: POLE is on the minus strand). VCF-style: chr12-132687297-C-G. GRCh37 (hg19) VCF-style: chr12-133263883-C-G.
Other names: short protein forms G7R.
Identifiers: ClinVar variation 659144 (VCV000659144.12), dbSNP rs771930571, ClinGen allele CA6894471.

ClinVar aggregate classification (germline): Conflicting classifications of pathogenicity. Review status: criteria provided, conflicting classifications (1 of 4 stars). 2 submissions from 2 submitters: Uncertain significance (1); Likely benign (1). Last evaluated 2026-02-02.

Conditions:
Hereditary cancer-predisposing syndrome. Also called: Hereditary neoplastic syndrome; Neoplastic Syndromes, Hereditary; Hereditary Cancer Syndrome; Tumor predisposition. Identifiers: Orphanet 140162, MedGen C0027672, MeSH D009386, MONDO:0015356.

Allele frequency attached by ClinVar (database versions not stated): gnomAD exomes 0.00004; ExAC 0.00019.
gnomAD v4.1: 5 of 1,505,636 alleles (0.00033%); highest among the groups gnomAD compares: South Asian, 0.005%; no homozygotes.

Submissions (2):

Labcorp Genetics (formerly Invitae), Labcorp
Classification: Uncertain significance. Last evaluated: 2026-02-02. Review status: criteria provided, single submitter. Criteria: Invitae Variant Classification Sherloc (09022015). Collection method: clinical testing. Allele origin: germline.
Comment: This sequence change replaces glycine, which is neutral and non-polar, with arginine, which is basic and polar, at codon 7 of the POLE protein (p.Gly7Arg). This variant is present in population databases (rs771930571, gnomAD 0.02%). This variant has not been reported in the literature in individuals affected with POLE-related conditions. ClinVar contains an entry for this variant (Variation ID: 659144). Experimental studies and prediction algorithms are not available or were not evaluated, and the functional significance of this variant is currently unknown. In summary, the available evidence is currently insufficient to determine the role of this variant in disease. Therefore, it has been classified as a Variant of Uncertain Significance.

Ambry Genetics
Classification: Likely benign for Hereditary cancer-predisposing syndrome. Last evaluated: 2024-10-17. Review status: criteria provided, single submitter. Criteria: Ambry Variant Classification Scheme 2023. Collection method: clinical testing. Allele origin: germline.